The following is an entry in ClinVar:

NM_182641.4(BPTF):c.4186G>A (p.Glu1396Lys)

Gene: BPTF (bromodomain PHD finger transcription factor; plus strand). Cytogenetic location: 17q24.2.
Variant type: single nucleotide variant.
Coding change: c.4186G>A on transcript NM_182641.4 (MANE Select); coding-DNA position 4186, G replaced by A.
Protein change: p.Glu1396Lys; replaces glutamic acid 1396 with lysine.
Molecular consequence: missense variant.
Genome position (GRCh38, 1-based): chr17:67,912,070, G>A. VCF-style: chr17-67912070-G-A. GRCh37 (hg19) VCF-style: chr17-65908186-G-A.
Other names: c.4375G>A, p.Glu1459Lys (NM_001439139.1, NM_001439141.1, NM_001439143.1 and 1 more transcripts); c.4564G>A, p.Glu1522Lys (NM_001439140.1, NM_001439142.1, NM_004459.7); short protein forms E1396K, E1459K, E1522K.
Identifiers: ClinVar variation 5037055 (VCV005037055.1).
Genomic context (GRCh38, chr17:67,912,070, plus strand): 5'-AGTGATCAAATAAAGCTAAAAAATACCACTGACAAAAAGAATAATGAAAATCGAGAGTCT[G>A]AAAAGAAAGGACAGAGAACAAGTACATTTCAAATAAATGGAAAAGATAATAAACCCAAAA-3'
Protein context (NP_872579.2, residues 1386-1406): DKKNNENRES[Glu1396Lys]KKGQRTSTFQ

ClinVar aggregate classification (germline): Uncertain significance (1 of 4 stars; one submission).

Submission:

GeneDx
Classification: Uncertain significance. Last evaluated: 2026-04-18. Review status: criteria provided, single submitter. Criteria: GeneDx Variant Classification Process June 2021. Collection method: clinical testing. Allele origin: germline.
Comment: Not observed at significant frequency in large population cohorts (gnomAD); In silico analysis suggests that this missense variant does not alter protein structure/function; Has not been previously published as pathogenic or benign to our knowledge